The following is an entry in ClinVar:

ClinVar aggregate classification (germline): Pathogenic (1 of 4 stars; one submission).

Conditions:
KMT2A-related disorder. Also called: KMT2A-related condition.

Submission:

PreventionGenetics, part of Exact Sciences
Classification: Pathogenic for KMT2A-related condition. Last evaluated: 2025-11-19. Review status: criteria provided, single submitter. Criteria: ACMG Guidelines, 2015. Collection method: clinical testing. Allele origin: germline.
Comment: The KMT2A c.1307delC variant is predicted to result in a frameshift and premature protein termination (p.Pro436Leufs*8). To our knowledge, this variant has not been reported in the literature or in a large population database (gnomAD), indicating this variant is rare. Frameshift variants in KMT2A are expected to be pathogenic. This variant is interpreted as pathogenic.

NM_001197104.2(KMT2A):c.1307del (p.Pro436fs)

Gene: KMT2A (lysine methyltransferase 2A; plus strand). Cytogenetic location: 11q23.3.
Variant type: Deletion.
Coding change: c.1307del on transcript NM_001197104.2 (MANE Select); coding-DNA position 1307, one base deleted (C; older notation c.1307delC).
Protein change: p.Pro436fs; shifts the reading frame from proline 436.
Molecular consequence: frameshift variant.
Genome position (GRCh38, 1-based): chr11:118,472,466, C deleted; the last of 3 consecutive C bases (chr11:118,472,464-118,472,466); deleting any one gives the same sequence. VCF-style (leftmost placement, unchanged base first): chr11-118472463-AC-A. GRCh37 (hg19) VCF-style: chr11-118343178-AC-A.
Other names: c.1406del, p.Pro469fs (NM_001412597.1); c.1307del, p.Pro436fs (NM_005933.4); short protein forms P436fs, P469fs.
Identifiers: ClinVar variation 4994248 (VCV004994248.1).